The following is an entry in ClinVar:

NM_000179.3(MSH6):c.1184_1190dup (p.Val398fs)

Gene: MSH6 (mutS homolog 6; plus strand). Cytogenetic location: 2p16.3.
Variant type: Duplication.
Coding change: c.1184_1190dup on transcript NM_000179.3 (MANE Select); coding-DNA positions 1184 to 1190, 7 bases duplicated (CACTCTA; older notation c.1184_1190dupCACTCTA).
Protein change: p.Val398fs; shifts the reading frame from valine 398.
Molecular consequence: frameshift variant.
Genome position (GRCh38, 1-based): chr2:47,799,167-47,799,173, CACTCTA duplicated; duplicating any 7 consecutive bases within chr2:47,799,163-47,799,173 gives the same sequence; the c. name uses the placement nearest the transcript's 3' end. VCF-style (leftmost placement, unchanged base first): chr2-47799162-A-ATCTACAC. GRCh37 (hg19) VCF-style: chr2-48026301-A-ATCTACAC.
Other names: c.794_800dup, p.Val268fs (NM_001281492.2); c.278_284dup, p.Val96fs (NM_001281493.2, NM_001281494.2); short protein forms V398fs, V268fs, V96fs.
Identifiers: ClinVar variation 818471 (VCV000818471.4), dbSNP rs1572722017, ClinGen allele CA915943806.

ClinVar aggregate classification (germline): Pathogenic (1 of 4 stars; one submission).

Conditions:
Hereditary cancer-predisposing syndrome. Also called: Tumor predisposition; Hereditary neoplastic syndrome; Neoplastic Syndromes, Hereditary; Hereditary Cancer Syndrome. Identifiers: Orphanet 140162, MedGen C0027672, MeSH D009386, MONDO:0015356.

Submission:

Ambry Genetics
Classification: Pathogenic for Hereditary cancer-predisposing syndrome. Last evaluated: 2019-09-19. Review status: criteria provided, single submitter. Criteria: Ambry Variant Classification Scheme 2023. Collection method: clinical testing. Allele origin: germline.
Comment: The c.1184_1190dupCACTCTA pathogenic mutation, located in coding exon 4 of the MSH6 gene, results from a duplication of CACTCTA at nucleotide position 1184, causing a translational frameshift with a predicted alternate stop codon (p.V398Tfs*5). This alteration is expected to result in loss of function by premature protein truncation or nonsense-mediated mRNA decay. As such, this alteration is interpreted as a disease-causing mutation.